The following is an entry in ClinVar:

NM_000051.4(ATM):c.5968A>C (p.Ser1990Arg)

Genes: ATM (ATM serine/threonine kinase; plus strand), C11orf65 (chromosome 11 open reading frame 65; minus strand). Cytogenetic location: 11q22.3.
Variant type: single nucleotide variant.
Coding change: c.5968A>C on transcript NM_000051.4 (MANE Select); coding-DNA position 5968, A replaced by C.
Protein change: p.Ser1990Arg; replaces serine 1990 with arginine.
Molecular consequence: missense variant. On other transcripts: intron variant (2).
Genome position (GRCh38, 1-based): chr11:108,312,460, A>C. VCF-style: chr11-108312460-A-C. GRCh37 (hg19) VCF-style: chr11-108183187-A-C.
Other names: c.5968A>C, p.Ser1990Arg (NM_001351834.2); c.641-3389T>G (NM_001330368.2); c.*39-3389T>G (NM_001351110.2); short protein forms S1990R.
Identifiers: ClinVar variation 826081 (VCV000826081.14), dbSNP rs1275100503, ClinGen allele CA382548728.
Genomic context (GRCh38, chr11:108,312,460, plus strand): 5'-GTGACAAACAGAAGTCTTGCATTTGAAGAAGGAAGCCAGAGTACAACTATTTCTAGCTTG[A>C]GTGAAAAAAGTAAAGAAGAAACTGGAATAAGTTTACAGGTAAATATTAGAGGCTCTATTA-3'
Protein context (NP_000042.3, residues 1980-2000): GSQSTTISSL[Ser1990Arg]EKSKEETGIS

ClinVar aggregate classification (germline): Uncertain significance. Review status: criteria provided, multiple submitters, no conflicts (2 of 4 stars). 2 submissions from 2 submitters: Uncertain significance (2). Last evaluated 2019-06-19.

Conditions:
Hereditary cancer-predisposing syndrome. Also called: Tumor predisposition; Neoplastic Syndromes, Hereditary; Hereditary Cancer Syndrome; Hereditary neoplastic syndrome. Identifiers: Orphanet 140162, MedGen C0027672, MeSH D009386, MONDO:0015356.
Ataxia-telangiectasia syndrome (AT). Also called: ATAXIA-TELANGIECTASIA, COMPLEMENTATION GROUP A; ATAXIA-TELANGIECTASIA, FRESNO VARIANT; Ataxia-telangiectasia; Ataxia-telangiectasia, complementation group D; AT, COMPLEMENTATION GROUP C; Ataxia-telangiectasia, complementation group E. Identifiers: Orphanet 100, MedGen C0004135, MONDO:0008840, OMIM 208900.

Allele frequency attached by ClinVar (database versions not stated): gnomAD exomes below 0.00001.
gnomAD v4.1: 1 of 1,594,720 alleles (0.000063%); highest among the groups gnomAD compares: Admixed American, 0.0017%; no homozygotes.

Submissions (2):

Labcorp Genetics (formerly Invitae), Labcorp
Classification: Uncertain significance for Ataxia-telangiectasia syndrome. Last evaluated: 2019-06-19. Review status: criteria provided, single submitter. Criteria: Invitae Variant Classification Sherloc (09022015). Collection method: clinical testing. Allele origin: germline.
Comment: Algorithms developed to predict the effect of missense changes on protein structure and function do not agree on the potential impact of this missense change (SIFT: "Deleterious"; PolyPhen-2: "Possibly Damaging"; Align-GVGD: "Class C0"). In summary, the available evidence is currently insufficient to determine the role of this variant in disease. Therefore, it has been classified as a Variant of Uncertain Significance. This variant has not been reported in the literature in individuals with ATM-related disease. This sequence change replaces serine with arginine at codon 1990 of the ATM protein (p.Ser1990Arg). The serine residue is moderately conserved and there is a moderate physicochemical difference between serine and arginine. This variant is not present in population databases (ExAC no frequency).

Ambry Genetics
Classification: Uncertain significance for Hereditary cancer-predisposing syndrome. Last evaluated: 2018-06-06. Review status: criteria provided, single submitter. Criteria: Ambry Variant Classification Scheme 2023. Collection method: clinical testing. Allele origin: germline.
Comment: The p.S1990R variant (also known as c.5968A>C), located in coding exon 39 of the ATM gene, results from an A to C substitution at nucleotide position 5968. The serine at codon 1990 is replaced by arginine, an amino acid with dissimilar properties. This amino acid position is well conserved in available vertebrate species. In addition, this alteration is predicted to be tolerated by in silico analysis. Since supporting evidence is limited at this time, the clinical significance of this alteration remains unclear.